The following is an entry in ClinVar:

ClinVar aggregate classification (germline): Uncertain significance (1 of 4 stars; one submission).

Conditions:
Immunodeficiency 23 (IMD23). Also called: IMMUNODEFICIENCY WITH HYPER IgE AND COGNITIVE IMPAIRMENT; IMMUNODEFICIENCY-VASCULITIS-MYOCLONUS SYNDROME. Identifiers: Orphanet 443811, MedGen C4014371, MONDO:0014353, OMIM 615816.

Allele frequency attached by ClinVar (database versions not stated): gnomAD 0.00001; TOPMed 0.00001.
gnomAD v4.1: 3 of 1,597,412 alleles (0.00019%); highest among the groups gnomAD compares: East Asian, 0.0022%; no homozygotes.

Submission:

Labcorp Genetics (formerly Invitae), Labcorp
Classification: Uncertain significance for Immunodeficiency 23. Last evaluated: 2020-09-08. Review status: criteria provided, single submitter. Criteria: Invitae Variant Classification Sherloc (09022015). Collection method: clinical testing. Allele origin: germline.
Comment: This variant has not been reported in the literature in individuals with PGM3-related conditions. This sequence change replaces valine with isoleucine at codon 174 of the PGM3 protein (p.Val174Ile). The valine residue is moderately conserved and there is a small physicochemical difference between valine and isoleucine. This variant is not present in population databases (ExAC no frequency). Algorithms developed to predict the effect of missense changes on protein structure and function output the following: SIFT: "Tolerated"; PolyPhen-2: "Benign"; Align-GVGD: "Class C0". The isoleucine amino acid residue is found in multiple mammalian species, suggesting that this missense change does not adversely affect protein function. These predictions have not been confirmed by published functional studies and their clinical significance is uncertain. In summary, the available evidence is currently insufficient to determine the role of this variant in disease. Therefore, it has been classified as a Variant of Uncertain Significance.

NM_015599.3(PGM3):c.436G>A (p.Val146Ile)

Gene: PGM3 (phosphoglucomutase 3; minus strand). Cytogenetic location: 6q14.1.
Variant type: single nucleotide variant.
Coding change: c.436G>A on transcript NM_015599.3 (MANE Select); coding-DNA position 436, G replaced by A.
Protein change: p.Val146Ile; replaces valine 146 with isoleucine.
Molecular consequence: missense variant. On other transcripts: non-coding transcript variant (1).
Genome position (GRCh38, 1-based): chr6:83,187,029, C>T on the plus strand (G>A on the coding strand, the complement: PGM3 is on the minus strand). VCF-style: chr6-83187029-C-T. GRCh37 (hg19) VCF-style: chr6-83896748-C-T.
Other names: c.520G>A, p.Val174Ile (NM_001199917.2, NM_001367287.1); c.193G>A, p.Val65Ile (NM_001199918.2); c.436G>A, p.Val146Ile (NM_001199919.2, NM_001367286.1); short protein forms V174I, V65I, V146I.
Identifiers: ClinVar variation 1037084 (VCV001037084.8), dbSNP rs1270609084, ClinGen allele CA364850494.
Genomic context (GRCh38, chr6:83,187,029, plus strand): 5'-AAATATTAGTTTAATTTCCAACTCAGGATAACTACATACCATGGAATTGACCTCCTAGAA[C>T]AGTCACACCATCTATTACAGATTGTGAAAGTTTCTCACTGCTGGGCCTAGGAAAGAAAAG-3'
Protein context (NP_056414.1, residues 136-156): LSQSVIDGVT[Val146Ile]LGGQFHDYGL